The following is an entry in ClinVar:

ClinVar aggregate classification (germline): Uncertain significance (1 of 4 stars; one submission).

Conditions:
PRPH2-related disorder. Also called: PRPH2-related disorders; PRPH2-related condition. Identifiers: MedGen CN239395.

Allele frequency attached by ClinVar (database versions not stated): gnomAD exomes below 0.00001.
gnomAD v4.1: 1 of 1,614,112 alleles (0.000062%); highest among the groups gnomAD compares: East Asian, 0.0022%; no homozygotes.

Submission:

Labcorp Genetics (formerly Invitae), Labcorp
Classification: Uncertain significance for PRPH2-related disorder. Last evaluated: 2019-10-24. Review status: criteria provided, single submitter. Criteria: Invitae Variant Classification Sherloc (09022015). Collection method: clinical testing. Allele origin: germline.
Comment: This sequence change falls in intron 2 of the PRPH2 gene. It does not directly change the encoded amino acid sequence of the PRPH2 protein, but it affects a nucleotide within the consensus splice site of the intron. This variant is not present in population databases (ExAC no frequency). This variant has not been reported in the literature in individuals with PRPH2-related conditions. Nucleotide substitutions within the consensus splice site are a relatively common cause of aberrant splicing (PMID: 17576681, 9536098). Algorithms developed to predict the effect of sequence changes on RNA splicing suggest that this variant may disrupt the consensus splice site, but this prediction has not been confirmed by published transcriptional studies. In summary, the available evidence is currently insufficient to determine the role of this variant in disease. Therefore, it has been classified as a Variant of Uncertain Significance.

Literature cited by the submitters: PubMed 17576681; PubMed 9536098.

NM_000322.5(PRPH2):c.829-3C>G

Gene: PRPH2 (peripherin 2; minus strand). Cytogenetic location: 6p21.1.
Variant type: single nucleotide variant.
Coding change: c.829-3C>G on transcript NM_000322.5 (MANE Select); 3 bases into the intron before coding-DNA position 829, C replaced by G.
Molecular consequence: intron variant.
Genome position (GRCh38, 1-based): chr6:42,698,510, G>C on the plus strand (C>G on the coding strand, the complement: PRPH2 is on the minus strand). VCF-style: chr6-42698510-G-C. GRCh37 (hg19) VCF-style: chr6-42666248-G-C.
Identifiers: ClinVar variation 955882 (VCV000955882.7), dbSNP rs1799990150, ClinGen allele CA1139659514.